The following is an entry in ClinVar:

NM_002109.6(HARS1):c.423G>T (p.Met141Ile)

Gene: HARS1 (histidyl-tRNA synthetase 1; minus strand). Cytogenetic location: 5q31.3.
Variant type: single nucleotide variant.
Coding change: c.423G>T on transcript NM_002109.6 (MANE Select); coding-DNA position 423, G replaced by T.
Protein change: p.Met141Ile; replaces methionine 141 with isoleucine.
Molecular consequence: missense variant. On other transcripts: intron variant (2).
Genome position (GRCh38, 1-based): chr5:140,679,101, C>A on the plus strand (G>T on the coding strand, the complement: HARS1 is on the minus strand). VCF-style: chr5-140679101-C-A. GRCh37 (hg19) VCF-style: chr5-140058686-C-A.
Other names: c.303G>T, p.Met101Ile (NM_001258040.3, NM_001258042.3); c.423G>T, p.Met141Ile (NM_001258041.3); c.336G>T, p.Met112Ile (NM_001289094.2); c.181-1086G>T (NM_001289093.2); c.301-1086G>T (NM_001289092.2); short protein forms M141I, M101I, M112I.
Identifiers: ClinVar variation 2142730 (VCV002142730.4), dbSNP rs2481266603, ClinGen allele CA361257271.

ClinVar aggregate classification (germline): Uncertain significance (1 of 4 stars; one submission).

Conditions:
Usher syndrome type 3B. Also called: USHER SYNDROME, TYPE IIIB. Identifiers: MedGen C3281066, MONDO:0013788, OMIM 614504.

Allele frequency attached by ClinVar (database versions not stated): gnomAD exomes below 0.00001.

Submission:

Labcorp Genetics (formerly Invitae), Labcorp
Classification: Uncertain significance for Usher syndrome type 3B. Last evaluated: 2022-02-20. Review status: criteria provided, single submitter. Criteria: Invitae Variant Classification Sherloc (09022015). Collection method: clinical testing. Allele origin: germline.
Comment: This sequence change replaces methionine, which is neutral and non-polar, with isoleucine, which is neutral and non-polar, at codon 141 of the HARS protein (p.Met141Ile). In summary, the available evidence is currently insufficient to determine the role of this variant in disease. Therefore, it has been classified as a Variant of Uncertain Significance. Algorithms developed to predict the effect of missense changes on protein structure and function are either unavailable or do not agree on the potential impact of this missense change (SIFT: "Deleterious"; PolyPhen-2: "Probably Damaging"; Align-GVGD: "Class C0"). This variant has not been reported in the literature in individuals affected with HARS-related conditions. This variant is not present in population databases (gnomAD no frequency).